The following is an entry in ClinVar:

NM_003072.5(SMARCA4):c.526C>G (p.Gln176Glu)

Gene: SMARCA4 (SWI/SNF related BAF chromatin remodeling complex subunit ATPase 4; plus strand). Cytogenetic location: 19p13.2.
Variant type: single nucleotide variant.
Coding change: c.526C>G on transcript NM_003072.5 (MANE Select); coding-DNA position 526, C replaced by G.
Protein change: p.Gln176Glu; replaces glutamine 176 with glutamic acid.
Molecular consequence: missense variant. On other transcripts: non-coding transcript variant (1).
Genome position (GRCh38, 1-based): chr19:10,986,359, C>G. VCF-style: chr19-10986359-C-G. GRCh37 (hg19) VCF-style: chr19-11097035-C-G.
Other names: c.526C>G, p.Gln176Glu (NM_001128844.3, NM_001128845.2, NM_001128846.2 and 4 more transcripts); short protein forms Q176E.
Identifiers: ClinVar variation 852443 (VCV000852443.9), dbSNP rs2086031789, ClinGen allele CA404056255.
Genomic context (GRCh38, chr19:10,986,359, plus strand): 5'-GGTGCTGACCCCCAGGCCTTGGGGCAGCAGAACCGGGGCCCAACCCCATTTAACCAGAAC[C>G]AGCTGCACCAGCTCAGAGCTCAGATCATGGCCTACAAGATGCTGGCCAGGGGGCAGCCCC-3'
Protein context (NP_003063.2, residues 166-186): NRGPTPFNQN[Gln176Glu]LHQLRAQIMA

ClinVar aggregate classification (germline): Uncertain significance (1 of 4 stars; one submission).

Conditions:
Rhabdoid tumor predisposition syndrome 2 (RTPS2). Identifiers: Orphanet 231108, Orphanet 69077, MedGen C2750074, MONDO:0013224, OMIM 613325.

Submission:

Labcorp Genetics (formerly Invitae), Labcorp
Classification: Uncertain significance for Rhabdoid tumor predisposition syndrome 2. Last evaluated: 2022-10-24. Review status: criteria provided, single submitter. Criteria: Invitae Variant Classification Sherloc (09022015). Collection method: clinical testing. Allele origin: germline.
Comment: Algorithms developed to predict the effect of missense changes on protein structure and function (SIFT, PolyPhen-2, Align-GVGD) all suggest that this variant is likely to be disruptive. This sequence change replaces glutamine, which is neutral and polar, with glutamic acid, which is acidic and polar, at codon 176 of the SMARCA4 protein (p.Gln176Glu). This variant is not present in population databases (gnomAD no frequency). This variant has not been reported in the literature in individuals affected with SMARCA4-related conditions. ClinVar contains an entry for this variant (Variation ID: 852443). In summary, the available evidence is currently insufficient to determine the role of this variant in disease. Therefore, it has been classified as a Variant of Uncertain Significance.